The following is an entry in ClinVar:

ClinVar aggregate classification (germline): Benign. Review status: criteria provided, single submitter (1 of 4 stars). 2 submissions from 2 submitters: Benign (1). 1 of the submissions does not count toward it. Last evaluated 2025-11-23.

Conditions:
MAPKBP1-related disorder. Also called: MAPKBP1-related condition.

Allele frequency attached by ClinVar (database versions not stated): gnomAD exomes 0.00009; ExAC 0.00030; 1000 Genomes Project 0.00060; 1000 Genomes Project 30x 0.00062; ESP Exome Variant Server 0.00085; gnomAD 0.00088.
gnomAD v4.1: 268 of 1,610,988 alleles (0.017%); highest among the groups gnomAD compares: African/African-American, 0.32%; 1 homozygote.

Submissions (2):

Labcorp Genetics (formerly Invitae), Labcorp
Classification: Benign. Last evaluated: 2025-11-23. Review status: criteria provided, single submitter. Criteria: Invitae Variant Classification Sherloc (09022015). Collection method: clinical testing. Allele origin: germline.

PreventionGenetics, part of Exact Sciences
Classification: Likely benign for MAPKBP1-related condition. Last evaluated: 2024-04-19. Review status: no assertion criteria provided. Collection method: clinical testing. Allele origin: germline. Not counted in ClinVar's aggregate classification.
Comment: This variant is classified as likely benign based on ACMG/AMP sequence variant interpretation guidelines (Richards et al. 2015 PMID: 25741868, with internal and published modifications).

NM_014994.3(MAPKBP1):c.2448G>A (p.Leu816=)

Gene: MAPKBP1 (mitogen-activated protein kinase binding protein 1; plus strand). Cytogenetic location: 15q15.1.
Variant type: single nucleotide variant.
Coding change: c.2448G>A on transcript NM_014994.3 (MANE Select); coding-DNA position 2448, G replaced by A.
Protein change: p.Leu816=; no amino-acid change (leucine 816 retained).
Molecular consequence: synonymous variant. On other transcripts: non-coding transcript variant (2).
Genome position (GRCh38, 1-based): chr15:41,819,617, G>A. VCF-style: chr15-41819617-G-A. GRCh37 (hg19) VCF-style: chr15-42111815-G-A.
Other names: c.2466G>A, p.Leu822= (NM_001128608.2); c.2448G>A, p.Leu816= (NM_001265611.2); c.2466G>A (NM_001128608.1).
Identifiers: ClinVar variation 2067207 (VCV002067207.5), dbSNP rs149625326, ClinGen allele CA7498268.
Genomic context (GRCh38, chr15:41,819,617, plus strand): 5'-GCAGGAGACACTTCCTCTGACTGCCTGTTTCTGTCTAGCCTCGGTCCCCAGCCCAGCTTT[G>A]CCCCGAAGCCTGTCCCACTGGGAGATGAGTCGGGTGAGTCGCCATTGTTAAAATGTTCTT-3'
Protein context (NP_055809.2, residues 806-826): KALASVPSPA[Leu816=]PRSLSHWEMS